The following is an entry in ClinVar:

NM_000368.5(TSC1):c.648_649insTTTTTTTTTTTTTTTTTTTTNNNNNNNNNNTGACCTCATGATCCACCCGCCTCGGCCTCCCAAAGTGCTGGGATTACAGGCGTGAGCCACCGCGCCCGGCCAACCTGGAGACTTTT (p.Glu217delinsPhePhePhePhePhePheXaaXaaXaaXaaTer)

Gene: TSC1 (TSC complex subunit 1; minus strand). Cytogenetic location: 9q34.13.
Variant type: Microsatellite.
Coding change: c.648_649insTTTTTTTTTTTTTTTTTTTTNNNNNNNNNNTGACCTCATGATCCACCCGCCTCGGCCTCCCAAAGTGCTGGGATTACAGGCGTGAGCCACCGCGCCCGGCCAACCTGGAGACTTTT on transcript NM_000368.5 (MANE Select); coding-DNA positions 648 to 649, TTTTTTTTTTTTTTTTTTTTNNNNNNNNNNTGACCTCATGATCCACCCGCCTCGGCCTCCCAAAGTGCTGGGATTACAGGCGTGAGCCACCGCGCCCGGCCAACCTGGAGACTTTT inserted.
Protein change: p.Glu217delinsPhePhePhePhePhePheXaaXaaXaaXaaTer.
Molecular consequence: nonsense. On other transcripts: 5 prime UTR variant (5), non-coding transcript variant (5).
Genome position: GRCh38: chr9:132,921,834-132,921,848. GRCh37 (hg19), VCF-style position (the base before the change): chr9:135,797,220.
Other names: c.285_286insTTTTTTTTTTTTTTTTTTTTNNNNNNNNNNTGACCTCATGATCCACCCGCCTCGGCCTCCCAAAGTGCTGGGATTACAGGCGTGAGCCACCGCGCCCGGCCAACCTGGAGACTTTT, p.Glu96delinsPhePhePhePhePhePheXaaXaaXaaXaaTer (NM_001406625.1, NM_001406624.1, NM_001406622.1 and 10 more transcripts); c.-230_-229insTTTTTTTTTTTTTTTTTTTTNNNNNNNNNNTGACCTCATGATCCACCCGCCTCGGCCTCCCAAAGTGCTGGGATTACAGGCGTGAGCCACCGCGCCCGGCCAACCTGGAGACTTTT (NM_001406628.1, NM_001406626.1, NM_001406627.1); c.-372_-371insTTTTTTTTTTTTTTTTTTTTNNNNNNNNNNTGACCTCATGATCCACCCGCCTCGGCCTCCCAAAGTGCTGGGATTACAGGCGTGAGCCACCGCGCCCGGCCAACCTGGAGACTTTT (NM_001406629.1); c.-446_-445insTTTTTTTTTTTTTTTTTTTTNNNNNNNNNNTGACCTCATGATCCACCCGCCTCGGCCTCCCAAAGTGCTGGGATTACAGGCGTGAGCCACCGCGCCCGGCCAACCTGGAGACTTTT (NM_001406630.1); c.648_649insTTTTTTTTTTTTTTTTTTTTNNNNNNNNNNTGACCTCATGATCCACCCGCCTCGGCCTCCCAAAGTGCTGGGATTACAGGCGTGAGCCACCGCGCCCGGCCAACCTGGAGACTTTT, p.Glu217delinsPhePhePhePhePhePheXaaXaaXaaXaaTer (NM_001406608.1, NM_001406609.1, NM_001162426.2 and 16 more transcripts); c.495_496insTTTTTTTTTTTTTTTTTTTTNNNNNNNNNNTGACCTCATGATCCACCCGCCTCGGCCTCCCAAAGTGCTGGGATTACAGGCGTGAGCCACCGCGCCCGGCCAACCTGGAGACTTTT, p.Glu166delinsPhePhePhePhePhePheXaaXaaXaaXaaTer (NM_001406610.1, NM_001406611.1, NM_001406612.1 and 2 more transcripts).
Identifiers: ClinVar variation 2731352 (VCV002731352.3).

ClinVar aggregate classification (germline): Pathogenic (1 of 4 stars; one submission).

Conditions:
Tuberous sclerosis 1 (TSC1). Identifiers: Orphanet 805, MedGen C1854465, MONDO:0008612, OMIM 191100.

Submission:

Labcorp Genetics (formerly Invitae), Labcorp
Classification: Pathogenic for Tuberous sclerosis 1. Last evaluated: 2023-06-28. Review status: criteria provided, single submitter. Criteria: Invitae Variant Classification Sherloc (09022015). Collection method: clinical testing. Allele origin: germline.
Comment: This sequence change inserts a large fragment of DNA, likely a transposable element, in exon 7 of the TSC1 gene (c.648_649ins?), causing a frameshift at codon 216 (p.Phe216fs). The exact size and sequence of the insertion cannot be determined by the current assay. However, the insertion is expected to result in an absent or disrupted protein product. This variant is not present in population databases (gnomAD no frequency). For these reasons, this variant has been classified as Pathogenic. Retrotransposon insertions including LINE1 (L1), Alu, and SVA (SINE-VNTR-Alu) have been reported to be disease-causing through disruption of either a coding region or splice site (PMID: 19763152, 20307669, 22406018) and loss-of-function variants in TSC1 are known to be pathogenic (PMID: 10227394, 17304050). Algorithms developed to predict the effect of sequence changes on RNA splicing suggest that this variant may disrupt the consensus splice site. This variant has not been reported in the literature in individuals affected with TSC1-related conditions.

Literature cited by the submitters: PubMed 19763152; PubMed 20307669; PubMed 22406018; PubMed 10227394; PubMed 17304050.